The following is an entry in ClinVar:

ClinVar aggregate classification (germline): Uncertain significance. Review status: criteria provided, multiple submitters, no conflicts (2 of 4 stars). 2 submissions from 2 submitters: Uncertain significance (2). Last evaluated 2024-04-29.

Conditions:
Hereditary cancer-predisposing syndrome. Also called: Hereditary neoplastic syndrome; Neoplastic Syndromes, Hereditary; Tumor predisposition; Hereditary Cancer Syndrome. Identifiers: Orphanet 140162, MedGen C0027672, MeSH D009386, MONDO:0015356.
DICER1-related tumor predisposition. Also called: DICER1 syndrome; DICER1-related pleuropulmonary blastoma cancer predisposition syndrome. Identifiers: Orphanet 284343, MedGen C3839822, MONDO:0100216.

Allele frequency attached by ClinVar (database versions not stated): gnomAD exomes below 0.00001.
gnomAD v4.1: 1 of 1,614,174 alleles (0.000062%); highest among the groups gnomAD compares: Non-Finnish European, 0.000085%; no homozygotes.

Submissions (2):

Labcorp Genetics (formerly Invitae), Labcorp
Classification: Uncertain significance for DICER1-related tumor predisposition. Last evaluated: 2024-04-29. Review status: criteria provided, single submitter. Criteria: Invitae Variant Classification Sherloc (09022015). Collection method: clinical testing. Allele origin: germline.
Comment: This sequence change replaces glycine, which is neutral and non-polar, with valine, which is neutral and non-polar, at codon 1490 of the DICER1 protein (p.Gly1490Val). This variant is not present in population databases (gnomAD no frequency). This variant has not been reported in the literature in individuals affected with DICER1-related conditions. ClinVar contains an entry for this variant (Variation ID: 1000969). An algorithm developed to predict the effect of missense changes on protein structure and function (PolyPhen-2) suggests that this variant is likely to be tolerated. In summary, the available evidence is currently insufficient to determine the role of this variant in disease. Therefore, it has been classified as a Variant of Uncertain Significance.

Ambry Genetics
Classification: Uncertain significance for Hereditary cancer-predisposing syndrome. Last evaluated: 2022-01-10. Review status: criteria provided, single submitter. Criteria: Ambry Variant Classification Scheme 2023. Collection method: clinical testing. Allele origin: germline.
Comment: The p.G1490V variant (also known as c.4469G>T), located in coding exon 22 of the DICER1 gene, results from a G to T substitution at nucleotide position 4469. The glycine at codon 1490 is replaced by valine, an amino acid with dissimilar properties. This amino acid position is conserved. In addition, the in silico prediction for this alteration is inconclusive. Since supporting evidence is limited at this time, the clinical significance of this alteration remains unclear.

NM_177438.3(DICER1):c.4469G>T (p.Gly1490Val)

Gene: DICER1 (dicer 1, ribonuclease III; minus strand). Cytogenetic location: 14q32.13.
Variant type: single nucleotide variant.
Coding change: c.4469G>T on transcript NM_177438.3 (MANE Select); coding-DNA position 4469, G replaced by T.
Protein change: p.Gly1490Val; replaces glycine 1490 with valine.
Molecular consequence: missense variant.
Genome position (GRCh38, 1-based): chr14:95,096,451, C>A on the plus strand (G>T on the coding strand, the complement: DICER1 is on the minus strand). VCF-style: chr14-95096451-C-A. GRCh37 (hg19) VCF-style: chr14-95562788-C-A.
Other names: c.4469G>T, p.Gly1490Val (NM_001195573.1, NM_001271282.3, NM_001291628.2 and 1 more transcripts); short protein forms G1490V.
Identifiers: ClinVar variation 1000969 (VCV001000969.12), dbSNP rs1595341311, ClinGen allele CA390868261.